The following is an entry in ClinVar:

NM_134261.3(RORA):c.197-26447T>A

Genes: RORA (RAR related orphan receptor A; minus strand), RORA-AS1 (RORA antisense RNA 1; plus strand). Cytogenetic location: 15q22.2.
Variant type: single nucleotide variant.
Coding change: c.197-26447T>A on transcript NM_134261.3 (MANE Select); 26447 bases into the intron before coding-DNA position 197, T replaced by A.
Molecular consequence: intron variant. On other transcripts: missense variant (1).
Genome position (GRCh38, 1-based): chr15:60,558,298, A>T on the plus strand (T>A on the coding strand, the complement: RORA is on the minus strand). VCF-style: chr15-60558298-A-T. GRCh37 (hg19) VCF-style: chr15-60850497-A-T.
Other names: c.146T>A, p.Leu49His (NM_134260.3); c.272-26447T>A (NM_002943.4); c.32-26447T>A (NM_134262.3); short protein forms L49H.
Identifiers: ClinVar variation 3055059 (VCV003055059.21), dbSNP rs200399670, ClinGen allele CA7593823.

ClinVar aggregate classification (germline): Likely benign. Review status: criteria provided, multiple submitters, no conflicts (2 of 4 stars). 3 submissions from 3 submitters: Likely benign (2). 1 of the submissions does not count toward it. Last evaluated 2024-11-04.

Conditions:
RORA-related disorder. Also called: RORA-related condition.

Allele frequency attached by ClinVar (database versions not stated): TOPMed 0.00003; gnomAD 0.00010; 1000 Genomes Project 30x 0.00016; 1000 Genomes Project 0.00020.
gnomAD v4.1: 351 of 1,611,968 alleles (0.022%); highest among the groups gnomAD compares: South Asian, 0.36%; 4 homozygotes.

Submissions (3):

Blueprint Genetics
Classification: Likely benign. Last evaluated: 2024-11-04. Review status: criteria provided, single submitter. Criteria: ACMG Guidelines, 2015. Collection method: clinical testing. Allele origin: germline.

CeGaT Center for Human Genetics Tuebingen
Classification: Likely benign. Last evaluated: 2024-05-01. Review status: criteria provided, single submitter. Criteria: CeGaT Center For Human Genetics Tuebingen Variant Classification Criteria Version 2. Collection method: clinical testing. Allele origin: germline. Affected: yes. Observed: 1 variant allele.
Comment: RORA: BP4, BS1

PreventionGenetics, part of Exact Sciences
Classification: Likely benign for RORA-related condition. Last evaluated: 2022-09-20. Review status: no assertion criteria provided. Collection method: clinical testing. Allele origin: germline. Not counted in ClinVar's aggregate classification.
Comment: This variant is classified as likely benign based on ACMG/AMP sequence variant interpretation guidelines (Richards et al. 2015 PMID: 25741868, with internal and published modifications).